The following is an entry in ClinVar:

NM_000053.4(ATP7B):c.1855A>G (p.Ile619Val)

Gene: ATP7B (ATPase copper transporting beta; minus strand). Cytogenetic location: 13q14.3.
Variant type: single nucleotide variant.
Coding change: c.1855A>G on transcript NM_000053.4 (MANE Select); coding-DNA position 1855, A replaced by G.
Protein change: p.Ile619Val; replaces isoleucine 619 with valine.
Molecular consequence: missense variant.
Genome position (GRCh38, 1-based): chr13:51,964,886, T>C on the plus strand (A>G on the coding strand, the complement: ATP7B is on the minus strand). VCF-style: chr13-51964886-T-C. GRCh37 (hg19) VCF-style: chr13-52539022-T-C.
Other names: c.1855A>G, p.Ile619Val (NM_001406519.1, NM_001406520.1, NM_001406521.1 and 24 more transcripts); c.1822A>G, p.Ile608Val (NM_001406524.1, NM_001406514.1); c.1522A>G, p.Ile508Val (NM_001243182.2); c.1759A>G, p.Ile587Val (NM_001406517.1, NM_001406518.1, NM_001406530.1 and 3 more transcripts); c.1426A>G, p.Ile476Val (NM_001406539.1); short protein forms I608V, I587V, I476V, I619V, I508V.
Identifiers: ClinVar variation 2038776 (VCV002038776.4), dbSNP rs2547752349, ClinGen allele CA388029986.

ClinVar aggregate classification (germline): Uncertain significance (1 of 4 stars; one submission).

Conditions:
Wilson disease (WND). Also called: Wilson's disease. Identifiers: Orphanet 905, MedGen C0019202, MONDO:0010200, OMIM 277900. Disease mechanism: loss of function.

Allele frequency attached by ClinVar (database versions not stated): gnomAD exomes below 0.00001.

Submission:

Labcorp Genetics (formerly Invitae), Labcorp
Classification: Uncertain significance for Wilson disease. Last evaluated: 2021-12-09. Review status: criteria provided, single submitter. Criteria: Invitae Variant Classification Sherloc (09022015). Collection method: clinical testing. Allele origin: germline.
Comment: In summary, the available evidence is currently insufficient to determine the role of this variant in disease. Therefore, it has been classified as a Variant of Uncertain Significance. Advanced modeling of protein sequence and biophysical properties (such as structural, functional, and spatial information, amino acid conservation, physicochemical variation, residue mobility, and thermodynamic stability) performed at Invitae indicates that this missense variant is not expected to disrupt ATP7B protein function. This variant has not been reported in the literature in individuals affected with ATP7B-related conditions. This variant is not present in population databases (gnomAD no frequency). This sequence change replaces isoleucine, which is neutral and non-polar, with valine, which is neutral and non-polar, at codon 619 of the ATP7B protein (p.Ile619Val).